The following is an entry in ClinVar:

NM_002334.4(LRP4):c.4943G>C (p.Cys1648Ser)

Genes: LRP4 (LDL receptor related protein 4; minus strand), LRP4-AS1 (LRP4 antisense RNA 1; plus strand). Cytogenetic location: 11p11.2.
Variant type: single nucleotide variant.
Coding change: c.4943G>C on transcript NM_002334.4 (MANE Select); coding-DNA position 4943, G replaced by C.
Protein change: p.Cys1648Ser; replaces cysteine 1648 with serine.
Molecular consequence: missense variant.
Genome position (GRCh38, 1-based): chr11:46,868,608, C>G on the plus strand (G>C on the coding strand, the complement: LRP4 is on the minus strand). VCF-style: chr11-46868608-C-G. GRCh37 (hg19) VCF-style: chr11-46890159-C-G.
Other names: short protein forms C1648S.
Identifiers: ClinVar variation 1403647 (VCV001403647.5), dbSNP rs769497270, ClinGen allele CA5969198.

ClinVar aggregate classification (germline): Uncertain significance (1 of 4 stars; one submission).

Conditions:
Cenani-Lenz syndactyly syndrome. Also called: CENANI SYNDACTYLISM; SYNDACTYLY, TYPE VII. Identifiers: Orphanet 3258, MedGen C1859309, MONDO:0008931, OMIM 212780.
Sclerosteosis 2 (SOST2). Identifiers: Orphanet 3152, MedGen C3280402, MONDO:0013679, OMIM 614305.
Congenital myasthenic syndrome 17. Identifiers: Orphanet 590, MedGen C4225377, MONDO:0014578, OMIM 616304.

Allele frequency attached by ClinVar (database versions not stated): ExAC 0.00001; gnomAD 0.00001; gnomAD exomes 0.00001.
gnomAD v4.1: 7 of 1,612,700 alleles (0.00043%); highest among the groups gnomAD compares: Admixed American, 0.0067%; no homozygotes.

Submission:

Labcorp Genetics (formerly Invitae), Labcorp
Classification: Uncertain significance for Cenani-Lenz syndactyly syndrome; Sclerosteosis 2; Congenital myasthenic syndrome 17. Last evaluated: 2024-07-17. Review status: criteria provided, single submitter. Criteria: Invitae Variant Classification Sherloc (09022015). Collection method: clinical testing. Allele origin: germline.
Comment: This sequence change replaces cysteine, which is neutral and slightly polar, with serine, which is neutral and polar, at codon 1648 of the LRP4 protein (p.Cys1648Ser). This variant is present in population databases (rs769497270, gnomAD 0.009%). This variant has not been reported in the literature in individuals affected with LRP4-related conditions. ClinVar contains an entry for this variant (Variation ID: 1403647). Advanced modeling of protein sequence and biophysical properties (such as structural, functional, and spatial information, amino acid conservation, physicochemical variation, residue mobility, and thermodynamic stability) performed at Invitae indicates that this missense variant is expected to disrupt LRP4 protein function with a positive predictive value of 80%. In summary, the available evidence is currently insufficient to determine the role of this variant in disease. Therefore, it has been classified as a Variant of Uncertain Significance.